The following is an entry in ClinVar:

NM_001458.5(FLNC):c.7886C>A (p.Pro2629His)

Genes: FLNC (filamin C; plus strand), FLNC-AS1 (FLNC antisense RNA 1; minus strand). Cytogenetic location: 7q32.1.
Variant type: single nucleotide variant.
Coding change: c.7886C>A on transcript NM_001458.5 (MANE Select); coding-DNA position 7886, C replaced by A.
Protein change: p.Pro2629His; replaces proline 2629 with histidine.
Molecular consequence: missense variant.
Genome position (GRCh38, 1-based): chr7:128,858,113, C>A. VCF-style: chr7-128858113-C-A. GRCh37 (hg19) VCF-style: chr7-128498167-C-A.
Other names: c.7787C>A, p.Pro2596His (NM_001127487.2); short protein forms P2596H, P2629H.
Identifiers: ClinVar variation 1761020 (VCV001761020.4), dbSNP rs2536673011, ClinGen allele CA369220322.

ClinVar aggregate classification (germline): Uncertain significance. Review status: criteria provided, multiple submitters, no conflicts (2 of 4 stars). 2 submissions from 2 submitters: Uncertain significance (2). Last evaluated 2024-10-16.

Conditions:
Distal myopathy with posterior leg and anterior hand involvement. Also called: WILLIAMS DISTAL MYOPATHY. Identifiers: Orphanet 63273, MedGen C3279722, MONDO:0013550, OMIM 614065.
Hypertrophic cardiomyopathy 26. Also called: Cardiomyopathy, familial hypertrophic, 26. Identifiers: Orphanet 75249, MedGen C4310749, MONDO:0014883, OMIM 617047.
Myofibrillar myopathy 5. Also called: Filaminopathy (type); FILAMINOPATHY, AUTOSOMAL DOMINANT. Identifiers: Orphanet 171445, MedGen C1836050, MONDO:0012289, OMIM 609524.
Cardiovascular phenotype. Identifiers: MedGen CN230736.

Allele frequency attached by ClinVar (database versions not stated): gnomAD exomes below 0.00001.
gnomAD v4.1: 2 of 1,613,568 alleles (0.00012%); highest among the groups gnomAD compares: South Asian, 0.0022%; no homozygotes.

Submissions (2):

Labcorp Genetics (formerly Invitae), Labcorp
Classification: Uncertain significance for Distal myopathy with posterior leg and anterior hand involvement; Myofibrillar myopathy 5; Hypertrophic cardiomyopathy 26. Last evaluated: 2024-10-16. Review status: criteria provided, single submitter. Criteria: Invitae Variant Classification Sherloc (09022015). Collection method: clinical testing. Allele origin: germline.
Comment: This sequence change replaces proline, which is neutral and non-polar, with histidine, which is basic and polar, at codon 2629 of the FLNC protein (p.Pro2629His). This variant is not present in population databases (gnomAD no frequency). This variant has not been reported in the literature in individuals affected with FLNC-related conditions. ClinVar contains an entry for this variant (Variation ID: 1761020). An algorithm developed to predict the effect of missense changes on protein structure and function (PolyPhen-2) suggests that this variant is likely to be tolerated. In summary, the available evidence is currently insufficient to determine the role of this variant in disease. Therefore, it has been classified as a Variant of Uncertain Significance.

Ambry Genetics
Classification: Uncertain significance for Cardiovascular phenotype. Last evaluated: 2022-08-27. Review status: criteria provided, single submitter. Criteria: Ambry Variant Classification Scheme 2023. Collection method: clinical testing. Allele origin: germline.
Comment: The p.P2629H variant (also known as c.7886C>A), located in coding exon 47 of the FLNC gene, results from a C to A substitution at nucleotide position 7886. The proline at codon 2629 is replaced by histidine, an amino acid with similar properties. This amino acid position is conserved. In addition, the in silico prediction for this alteration is inconclusive. Since supporting evidence is limited at this time, the clinical significance of this alteration remains unclear.